The following is an entry in ClinVar:

ClinVar aggregate classification (germline): Uncertain significance (1 of 4 stars; one submission).

Conditions:
Congenital disorder of glycosylation, type Ii. Also called: CDG Ii; ALG2-congenital disorder of glycosylation; ALG2-CDG. Identifiers: Orphanet 79326, MedGen C1842836, MONDO:0011933, OMIM 607906.
Congenital myasthenic syndrome 14. Also called: Myasthenic syndrome, congenital, 14, with tubular aggregates. Identifiers: Orphanet 353327, Orphanet 590, MedGen C4015597, MONDO:0014543, OMIM 616228.

Submission:

Labcorp Genetics (formerly Invitae), Labcorp
Classification: Uncertain significance for Congenital disorder of glycosylation, type Ii; Congenital myasthenic syndrome 14. Last evaluated: 2023-02-28. Review status: criteria provided, single submitter. Criteria: Invitae Variant Classification Sherloc (09022015). Collection method: clinical testing. Allele origin: germline.
Comment: This variant, c.243_251dup, results in the insertion of 3 amino acid(s) of the ALG2 protein (p.Gly83_Gly85dup), but otherwise preserves the integrity of the reading frame. This variant is not present in population databases (gnomAD no frequency). This variant has not been reported in the literature in individuals affected with ALG2-related conditions. ClinVar contains an entry for this variant (Variation ID: 1927520). In summary, the available evidence is currently insufficient to determine the role of this variant in disease. Therefore, it has been classified as a Variant of Uncertain Significance.

NM_033087.4(ALG2):c.243_251dup (p.Gly85_Ala86insGlyArgGly)

Gene: ALG2 (ALG2 alpha-1,3/1,6-mannosyltransferase; minus strand). Cytogenetic location: 9q22.33.
Variant type: Duplication.
Coding change: c.243_251dup on transcript NM_033087.4 (MANE Select); coding-DNA positions 243 to 251, 9 bases duplicated (GGGCGGCCG; older notation c.243_251dupGGGCGGCCG).
Protein change: p.Gly85_Ala86insGlyArgGly.
Molecular consequence: inframe insertion. On other transcripts: non-coding transcript variant (1).
Genome position (GRCh38, 1-based): chr9:99,221,644-99,221,652, CGGCCGCCC duplicated on the plus strand (GGGCGGCCG on the coding strand, the reverse complement: ALG2 is on the minus strand); duplicating any 9 consecutive bases within chr9:99,221,644-99,221,653 gives the same sequence; the c. name uses the placement nearest the transcript's 3' end. VCF-style (leftmost placement, unchanged base first): chr9-99221643-G-GCGGCCGCCC. GRCh37 (hg19) VCF-style: chr9-101983925-G-GCGGCCGCCC.
Identifiers: ClinVar variation 1927520 (VCV001927520.5), dbSNP rs2490391376, ClinGen allele CA2579400805.
Genomic context (GRCh38, chr9:99,221,643, plus strand): 5'-GAGGAACAGCACGTAGAGCGCCAGGAAAACCATGCGCACGTAGGCGCAGACGGCGGCGCC[G>GCGGCCGCCC]CGGCCGCCCCAGCCCAGGCCTCGCGGCAGCCAGTCCCCGGCACAGCGCACCGGTAGCTCG-3'